The following is an entry in ClinVar:

ClinVar aggregate classification (germline): Uncertain significance. Review status: criteria provided, multiple submitters, no conflicts (2 of 4 stars). 2 submissions from 2 submitters: Uncertain significance (2). Last evaluated 2025-10-31.

Conditions:
Progressive sclerosing poliodystrophy (MTDPS4A). Also called: Mitochondrial DNA depletion syndrome 4A (Alpers type); ALPERS PROGRESSIVE INFANTILE POLIODYSTROPHY; NEURONAL DEGENERATION OF CHILDHOOD WITH LIVER DISEASE, PROGRESSIVE; Mitochondrial DNA Depletion Syndrome 4A; Alpers-Huttenlocher Syndrome (AHS); Alpers Syndrome. Identifiers: Orphanet 726, MedGen C0205710, MONDO:0008758, OMIM 203700.

Allele frequency attached by ClinVar (database versions not stated): gnomAD 0.00001; TOPMed 0.00001.
gnomAD v4.1: 1 of 1,613,332 alleles (0.000062%); highest among the groups gnomAD compares: African/African-American, 0.0013%; no homozygotes.

Submissions (2):

Labcorp Genetics (formerly Invitae), Labcorp
Classification: Uncertain significance for Progressive sclerosing poliodystrophy. Last evaluated: 2025-10-31. Review status: criteria provided, single submitter. Criteria: Invitae Variant Classification Sherloc (09022015). Collection method: clinical testing. Allele origin: germline.
Comment: This sequence change replaces lysine, which is basic and polar, with asparagine, which is neutral and polar, at codon 658 of the POLG protein (p.Lys658Asn). This variant is not present in population databases (gnomAD no frequency). This variant has not been reported in the literature in individuals affected with POLG-related conditions. ClinVar contains an entry for this variant (Variation ID: 1400435). Invitae Evidence Modeling of protein sequence and biophysical properties (such as structural, functional, and spatial information, amino acid conservation, physicochemical variation, residue mobility, and thermodynamic stability) has been performed for this missense variant. However, the output from this modeling did not meet the statistical confidence thresholds required to predict the impact of this variant on POLG protein function. In summary, the available evidence is currently insufficient to determine the role of this variant in disease. Therefore, it has been classified as a Variant of Uncertain Significance.

GeneDx
Classification: Uncertain significance. Last evaluated: 2024-10-17. Review status: criteria provided, single submitter. Criteria: GeneDx Variant Classification Process June 2021. Collection method: clinical testing. Allele origin: germline. Affected: yes.
Comment: Has not been previously published as pathogenic or benign to our knowledge; Not observed at significant frequency in large population cohorts (gnomAD); In silico analysis indicates that this missense variant does not alter protein structure/function

NM_002693.3(POLG):c.1974G>C (p.Lys658Asn)

Gene: POLG (DNA polymerase gamma, catalytic subunit; minus strand). Cytogenetic location: 15q26.1.
Variant type: single nucleotide variant.
Coding change: c.1974G>C on transcript NM_002693.3 (MANE Select); coding-DNA position 1974, G replaced by C.
Protein change: p.Lys658Asn; replaces lysine 658 with asparagine.
Molecular consequence: missense variant.
Genome position (GRCh38, 1-based): chr15:89,324,203, C>G on the plus strand (G>C on the coding strand, the complement: POLG is on the minus strand). VCF-style: chr15-89324203-C-G. GRCh37 (hg19) VCF-style: chr15-89867434-C-G.
Other names: c.1974G>C (NM_002693.2); c.1974G>C, p.Lys658Asn (NM_001126131.2); short protein forms K658N.
Identifiers: ClinVar variation 1400435 (VCV001400435.9), dbSNP rs1229982179, ClinGen allele CA393757812.